The following is an entry in ClinVar:

Single allele

Variant type: Deletion.
Identifiers: ClinVar variation 157012 (VCV000157012.2).

ClinVar aggregate classification (germline): not provided (0 of 4 stars; one submission).

Conditions:
Normal pregnancy. Identifiers: MedGen C0232989.

Submission:

Institute of Molecular and Cell Biology, University of Tartu
No classification provided. Condition: Normal pregnancy. Review status: no classification provided. Collection method: case-control. Allele origin: unknown. Affected: yes. Study: Kasak2014.
Comment: The study aimed to determine the contribution of copy number variants in the genetic etiology of normal and complicated pregnancies. The samples represented (i) maternal blood DNA drawn from healthy pregnant women during 1st or 2nd trimester and (ii) maternal and paternal blood DNA drawn at term pregnancy cases representing normal and complicated gestations (severe preeclampsia, PE; gestational diabetes, GD; small-for-gestational age newborn, SGA; large-for-gestational age newborn, LGA). We performed CNV calling based on genome-wide genotyping dataset (Illumina HumanOmniExpress-24-v1 BeadChip) by applying three algorithms, QuantiSNP, GADA (Genome Alteration Detection Algorithm) and CNstream in parallel. The acquired CNV calls were merged with HD-CNV (Hotspot Detector for Copy Number Variants) program and only the CNVs predicted by at least two programs, were considered in subsequent analysis.

Literature cited by the submitters: PubMed 25666259.